The following is an entry in ClinVar:

NM_032638.5(GATA2):c.670G>A (p.Glu224Lys)

Gene: GATA2 (GATA binding protein 2; minus strand). Cytogenetic location: 3q21.3.
Variant type: single nucleotide variant.
Coding change: c.670G>A on transcript NM_032638.5 (MANE Select); coding-DNA position 670, G replaced by A.
Protein change: p.Glu224Lys; replaces glutamic acid 224 with lysine.
Molecular consequence: missense variant.
Genome position (GRCh38, 1-based): chr3:128,485,928, C>T on the plus strand (G>A on the coding strand, the complement: GATA2 is on the minus strand). VCF-style: chr3-128485928-C-T. GRCh37 (hg19) VCF-style: chr3-128204771-C-T.
Other names: c.670G>A, p.Glu224Lys (NM_001145661.2, NM_001145662.1); short protein forms E224K.
Identifiers: ClinVar variation 3280839 (VCV003280839.2).

ClinVar aggregate classification (germline): Uncertain significance. Review status: criteria provided, multiple submitters, no conflicts (2 of 4 stars). 2 submissions from 2 submitters: Uncertain significance (2). Last evaluated 2025-06-22.

Conditions:
Monocytopenia with susceptibility to infections. Also called: MONOCYTOPENIA AND MYCOBACTERIAL INFECTION SYNDROME; MONOCYTOPENIA WITH SUSCEPTIBILITY TO MYCOBACTERIAL, FUNGAL, AND PAPILLOMAVIRUS INFECTIONS AND MYELODYSPLASIA; COMBINED IMMUNODEFICIENCY WITH SUSCEPTIBILITY TO MYCOBACTERIAL, VIRAL, AND FUNGAL INFECTIONS; Dendritic cell, monocyte, B lymphocyte, and natural killer lymphocyte deficiency; IMMUNODEFICIENCY 21; GATA2 DEFICIENCY. Identifiers: Orphanet 228423, MedGen C3280030, MONDO:0013607, OMIM 614172.
Deafness-lymphedema-leukemia syndrome. Also called: Lymphedema, primary, with myelodysplasia; Emberger syndrome. Identifiers: Orphanet 3226, MedGen C3279664, MONDO:0013540, OMIM 614038.
Inborn genetic diseases. Identifiers: MedGen C0950123, MeSH D030342.

Submissions (2):

Labcorp Genetics (formerly Invitae), Labcorp
Classification: Uncertain significance for Monocytopenia with susceptibility to infections; Deafness-lymphedema-leukemia syndrome. Last evaluated: 2025-06-22. Review status: criteria provided, single submitter. Criteria: Invitae Variant Classification Sherloc (09022015). Collection method: clinical testing. Allele origin: germline.
Comment: This sequence change replaces glutamic acid, which is acidic and polar, with lysine, which is basic and polar, at codon 224 of the GATA2 protein (p.Glu224Lys). This variant is not present in population databases (gnomAD no frequency). This variant has not been reported in the literature in individuals affected with GATA2-related conditions. ClinVar contains an entry for this variant (Variation ID: 3280839). Invitae Evidence Modeling of protein sequence and biophysical properties (such as structural, functional, and spatial information, amino acid conservation, physicochemical variation, residue mobility, and thermodynamic stability) indicates that this missense variant is not expected to disrupt GATA2 protein function with a negative predictive value of 95%. In summary, the available evidence is currently insufficient to determine the role of this variant in disease. Therefore, it has been classified as a Variant of Uncertain Significance.

Ambry Genetics
Classification: Uncertain significance for Inborn genetic diseases. Last evaluated: 2024-03-29. Review status: criteria provided, single submitter. Criteria: Ambry Variant Classification Scheme 2023. Collection method: clinical testing. Allele origin: germline.